The following is an entry in ClinVar:

ClinVar aggregate classification (germline): Pathogenic (1 of 4 stars; one submission).

Conditions:
Familial focal epilepsy with variable foci (FPEVF). Identifiers: Orphanet 98820, MedGen C1858477, MONDO:0020310.

Submission:

Labcorp Genetics (formerly Invitae), Labcorp
Classification: Pathogenic for Familial focal epilepsy with variable foci. Last evaluated: 2024-04-08. Review status: criteria provided, single submitter. Criteria: Invitae Variant Classification Sherloc (09022015). Collection method: clinical testing. Allele origin: germline.
Comment: This sequence change creates a premature translational stop signal (p.Tyr226*) in the DEPDC5 gene. It is expected to result in an absent or disrupted protein product. Loss-of-function variants in DEPDC5 are known to be pathogenic (PMID: 23542697, 23542701). This variant is not present in population databases (gnomAD no frequency). This variant has not been reported in the literature in individuals affected with DEPDC5-related conditions. Algorithms developed to predict the effect of sequence changes on RNA splicing suggest that this variant may disrupt the consensus splice site. For these reasons, this variant has been classified as Pathogenic.

Literature cited by the submitters: PubMed 23542697; PubMed 23542701.

NM_001242896.3(DEPDC5):c.678T>G (p.Tyr226Ter)

Gene: DEPDC5 (DEP domain containing 5, GATOR1 subcomplex subunit; plus strand). Cytogenetic location: 22q12.2.
Variant type: single nucleotide variant.
Coding change: c.678T>G on transcript NM_001242896.3 (MANE Select); coding-DNA position 678, T replaced by G.
Protein change: p.Tyr226Ter; replaces tyrosine 226 with a stop codon.
Molecular consequence: nonsense. On other transcripts: non-coding transcript variant (5).
Genome position (GRCh38, 1-based): chr22:31,792,086, T>G. VCF-style: chr22-31792086-T-G. GRCh37 (hg19) VCF-style: chr22-32188072-T-G.
Other names: c.678T>G, p.Tyr226Ter (NM_001007188.4, NM_001136029.4, NM_001242897.2 and 7 more transcripts); c.594T>G, p.Tyr198Ter (NM_001369901.1, NM_001369902.1); short protein forms Y198*, Y226*.
Identifiers: ClinVar variation 2698230 (VCV002698230.3), dbSNP rs2085728214, ClinGen allele CA411288421.